The following is an entry in ClinVar:

ClinVar aggregate classification (germline): Conflicting classifications of pathogenicity. Review status: criteria provided, conflicting classifications (1 of 4 stars). 4 submissions from 4 submitters: Likely pathogenic (2); Uncertain significance (2). Last evaluated 2025-08-06.

Conditions:
RET-related disorder. Also called: RET-related disorders; RET-related condition; RET-related disease.
Multiple endocrine neoplasia, type 2 (MEN2). Identifiers: Orphanet 653, MedGen C4048306, MONDO:0019003. Disease mechanism: gain of function.

Submissions (4):

PreventionGenetics, part of Exact Sciences
Classification: Uncertain significance for RET-related condition. Last evaluated: 2025-08-06. Review status: criteria provided, single submitter. Criteria: ACMG Guidelines, 2015. Collection method: clinical testing. Allele origin: germline.
Comment: The RET c.1055A>G variant is predicted to result in the amino acid substitution p.His352Arg. To our knowledge, this variant has not been reported in the literature or in a large population database (gnomAD), indicating this variant is rare. This variant has conflicting classifications listed in ClinVar ranging from uncertain to likely pathogenic (Variation ID: 429554). At this time, the clinical significance of this variant is uncertain due to the absence of conclusive functional and genetic evidence.

Labcorp Genetics (formerly Invitae), Labcorp
Classification: Uncertain significance for Multiple endocrine neoplasia, type 2. Last evaluated: 2025-06-22. Review status: criteria provided, single submitter. Criteria: Invitae Variant Classification Sherloc (09022015). Collection method: clinical testing. Allele origin: germline.
Comment: This sequence change replaces histidine, which is basic and polar, with arginine, which is basic and polar, at codon 352 of the RET protein (p.His352Arg). This variant is not present in population databases (gnomAD no frequency). This variant has not been reported in the literature in individuals affected with RET-related conditions. ClinVar contains an entry for this variant (Variation ID: 429554). An algorithm developed to predict the effect of missense changes on protein structure and function (PolyPhen-2) suggests that this variant is likely to be disruptive. Algorithms developed to predict the effect of sequence changes on RNA splicing suggest that this variant may disrupt the consensus splice site. In summary, the available evidence is currently insufficient to determine the role of this variant in disease. Therefore, it has been classified as a Variant of Uncertain Significance.

Blueprint Genetics
Classification: Likely pathogenic for RET-related disorders. Last evaluated: 2024-05-06. Review status: criteria provided, single submitter. Criteria: ACMG Guidelines, 2015. Collection method: clinical testing. Allele origin: germline. Affected: yes. Observed: 4 variant alleles.

GeneDx
Classification: Likely pathogenic. Last evaluated: 2024-02-12. Review status: criteria provided, single submitter. Criteria: GeneDx Variant Classification Process June 2021. Collection method: clinical testing. Allele origin: germline. Affected: yes.
Comment: Not observed at significant frequency in large population cohorts (gnomAD); In silico analysis supports that this missense variant has a deleterious effect on protein structure/function; In silico analysis supports a deleterious effect on splicing; Has not been previously published as pathogenic or benign to our knowledge

NM_020975.6(RET):c.1055A>G (p.His352Arg)

Gene: RET (ret proto-oncogene; plus strand). Cytogenetic location: 10q11.21.
Variant type: single nucleotide variant.
Coding change: c.1055A>G on transcript NM_020975.6 (MANE Select); coding-DNA position 1055, A replaced by G.
Protein change: p.His352Arg; replaces histidine 352 with arginine.
Molecular consequence: missense variant.
Genome position (GRCh38, 1-based): chr10:43,106,563, A>G. VCF-style: chr10-43106563-A-G. GRCh37 (hg19) VCF-style: chr10-43602011-A-G.
Other names: c.1055A>G, p.His352Arg (NM_000323.2, NM_001406743.1, NM_001406744.1 and 6 more transcripts); c.293A>G, p.His98Arg (NM_001355216.2); c.926A>G, p.His309Arg (NM_001406761.1, NM_001406762.1, NM_001406764.1 and 1 more transcripts); c.767A>G, p.His256Arg (NM_001406766.1, NM_001406767.1, NM_001406770.1); short protein forms H352R, H98R, H309R, H256R.
Identifiers: ClinVar variation 429554 (VCV000429554.13), dbSNP rs1131691450, ClinGen allele CA376546507.
Genomic context (GRCh38, chr10:43,106,563, plus strand): 5'-AACACTGGCCCAACGAGACCTCGGTCCAGGCCAACGGCAGCTTCGTGCGGGCGACCGTAC[A>G]TGACTATAGTAAGAGGGGCTGGTGGCACGGCCTGGCTAGGCCCCCAGGAAATGAGGTGCT-3'
Protein context (NP_066124.1, residues 342-362): ANGSFVRATV[His352Arg]DYRLVLNRNL